The following is an entry in ClinVar:

NM_003978.5(PSTPIP1):c.1138C>G (p.Leu380Val)

Gene: PSTPIP1 (proline-serine-threonine phosphatase interacting protein 1; plus strand). Cytogenetic location: 15q24.3.
Variant type: single nucleotide variant.
Coding change: c.1138C>G on transcript NM_003978.5 (MANE Select); coding-DNA position 1138, C replaced by G.
Protein change: p.Leu380Val; replaces leucine 380 with valine.
Molecular consequence: missense variant. On other transcripts: non-coding transcript variant (1).
Genome position (GRCh38, 1-based): chr15:77,037,063, C>G. VCF-style: chr15-77037063-C-G. GRCh37 (hg19) VCF-style: chr15-77329404-C-G.
Other names: c.1081C>G, p.Leu361Val (NM_001321135.2); c.1111C>G, p.Leu371Val (NM_001321136.2); c.1333C>G, p.Leu445Val (NM_001321137.1); c.1129C>G, p.Leu377Val (NM_001411086.1); short protein forms L380V, L445V, L361V, L371V, L377V.
Identifiers: ClinVar variation 4744942 (VCV004744942.1).

ClinVar aggregate classification (germline): Uncertain significance (1 of 4 stars; one submission).

Conditions:
Pyogenic arthritis-pyoderma gangrenosum-acne syndrome (PAPA). Also called: FAMILIAL RECURRENT ARTHRITIS; PAPA SYNDROME. Identifiers: Orphanet 69126, MedGen C1858361, MONDO:0011462, OMIM 604416.

Submission:

Labcorp Genetics (formerly Invitae), Labcorp
Classification: Uncertain significance for Pyogenic arthritis-pyoderma gangrenosum-acne syndrome. Last evaluated: 2025-11-23. Review status: criteria provided, single submitter. Criteria: Invitae Variant Classification Sherloc (09022015). Collection method: clinical testing. Allele origin: germline.
Comment: This sequence change replaces leucine, which is neutral and non-polar, with valine, which is neutral and non-polar, at codon 380 of the PSTPIP1 protein (p.Leu380Val). This variant is not present in population databases (gnomAD no frequency). This variant has not been reported in the literature in individuals affected with PSTPIP1-related conditions. Invitae Evidence Modeling of protein sequence and biophysical properties (such as structural, functional, and spatial information, amino acid conservation, physicochemical variation, residue mobility, and thermodynamic stability) indicates that this missense variant is not expected to disrupt PSTPIP1 protein function with a negative predictive value of 80%. In summary, the available evidence is currently insufficient to determine the role of this variant in disease. Therefore, it has been classified as a Variant of Uncertain Significance.